The following is an entry in ClinVar:

NM_000069.3(CACNA1S):c.4885C>G (p.Gln1629Glu)

Gene: CACNA1S (calcium voltage-gated channel subunit alpha1 S; minus strand). Cytogenetic location: 1q32.1.
Variant type: single nucleotide variant.
Coding change: c.4885C>G on transcript NM_000069.3 (MANE Select); coding-DNA position 4885, C replaced by G.
Protein change: p.Gln1629Glu; replaces glutamine 1629 with glutamic acid.
Molecular consequence: missense variant.
Genome position (GRCh38, 1-based): chr1:201,043,444, G>C on the plus strand (C>G on the coding strand, the complement: CACNA1S is on the minus strand). VCF-style: chr1-201043444-G-C. GRCh37 (hg19) VCF-style: chr1-201012572-G-C.
Other names: short protein forms Q1629E.
Identifiers: ClinVar variation 2137417 (VCV002137417.4), dbSNP rs1660357380, ClinGen allele CA344137068.
Genomic context (GRCh38, chr1:201,043,444, plus strand): 5'-GTGGGAAGTCCTCCAAGAAGACAGGTGACTCCATCTCTTCCATCTCTATCTCAGCAAACT[G>C]GAGGGGTCTCTGATTGGCCATGACGGGGGGCAGGGAGTTGGTCCTTTCCAGGAAGTTGTC-3'
Protein context (NP_000060.2, residues 1619-1639): PPVMANQRPL[Gln1629Glu]FAEIEMEEME

ClinVar aggregate classification (germline): Uncertain significance (1 of 4 stars; one submission).

Conditions:
Hypokalemic periodic paralysis, type 1. Also called: HypoPP; Hypokalemic Periodic Paralysis Type 1 (AD). Identifiers: Orphanet 681, MedGen C3714580, MONDO:0042979, OMIM 170400.
Malignant hyperthermia, susceptibility to, 5 (MHS5). Also called: CACNA1S-Related Malignant Hyperthermia Susceptibility. Identifiers: Orphanet 423, MedGen C1866077, MONDO:0011163, OMIM 601887.

Allele frequency attached by ClinVar (database versions not stated): gnomAD 0.00001; gnomAD exomes 0.00001.

Submission:

Labcorp Genetics (formerly Invitae), Labcorp
Classification: Uncertain significance for Hypokalemic periodic paralysis, type 1; Malignant hyperthermia, susceptibility to, 5. Last evaluated: 2022-10-18. Review status: criteria provided, single submitter. Criteria: Invitae Variant Classification Sherloc (09022015). Collection method: clinical testing. Allele origin: germline.
Comment: In summary, the available evidence is currently insufficient to determine the role of this variant in disease. Therefore, it has been classified as a Variant of Uncertain Significance. Advanced modeling of protein sequence and biophysical properties (such as structural, functional, and spatial information, amino acid conservation, physicochemical variation, residue mobility, and thermodynamic stability) performed at Invitae indicates that this missense variant is not expected to disrupt CACNA1S protein function. This variant has not been reported in the literature in individuals affected with CACNA1S-related conditions. This variant is not present in population databases (gnomAD no frequency). This sequence change replaces glutamine, which is neutral and polar, with glutamic acid, which is acidic and polar, at codon 1629 of the CACNA1S protein (p.Gln1629Glu).